The following is an entry in ClinVar:

ClinVar aggregate classification (germline): Uncertain significance (1 of 4 stars; one submission).

Allele frequency attached by ClinVar (database versions not stated): gnomAD exomes 0.00001 and 0.00002; ExAC 0.00002; TOPMed 0.00008; gnomAD 0.00009; 1000 Genomes Project 30x 0.00016; 1000 Genomes Project 0.00020.
gnomAD v4.1: 22 of 1,613,600 alleles (0.0014%); highest among the groups gnomAD compares: African/African-American, 0.024%; no homozygotes.

Submission:

Labcorp Genetics (formerly Invitae), Labcorp
Classification: Uncertain significance. Last evaluated: 2022-11-01. Review status: criteria provided, single submitter. Criteria: Invitae Variant Classification Sherloc (09022015). Collection method: clinical testing. Allele origin: germline.
Comment: In summary, the available evidence is currently insufficient to determine the role of this variant in disease. Therefore, it has been classified as a Variant of Uncertain Significance. Advanced modeling of protein sequence and biophysical properties (such as structural, functional, and spatial information, amino acid conservation, physicochemical variation, residue mobility, and thermodynamic stability) performed at Invitae indicates that this missense variant is expected to disrupt PDE6A protein function. ClinVar contains an entry for this variant (Variation ID: 933367). This variant has not been reported in the literature in individuals affected with PDE6A-related conditions. This variant is present in population databases (rs573153907, gnomAD 0.03%). This sequence change replaces glycine, which is neutral and non-polar, with aspartic acid, which is acidic and polar, at codon 605 of the PDE6A protein (p.Gly605Asp).

NM_000440.3(PDE6A):c.1814G>A (p.Gly605Asp)

Gene: PDE6A (phosphodiesterase 6A; minus strand). Cytogenetic location: 5q32.
Variant type: single nucleotide variant.
Coding change: c.1814G>A on transcript NM_000440.3 (MANE Select); coding-DNA position 1814, G replaced by A.
Protein change: p.Gly605Asp; replaces glycine 605 with aspartic acid.
Molecular consequence: missense variant.
Genome position (GRCh38, 1-based): chr5:149,886,289, C>T on the plus strand (G>A on the coding strand, the complement: PDE6A is on the minus strand). VCF-style: chr5-149886289-C-T. GRCh37 (hg19) VCF-style: chr5-149265852-C-T.
Other names: short protein forms G605D.
Identifiers: ClinVar variation 933367 (VCV000933367.6), dbSNP rs573153907, ClinGen allele CA3504532.